The following is an entry in ClinVar:

NM_016203.4(PRKAG2):c.42T>A (p.Val14=)

Gene: PRKAG2 (protein kinase AMP-activated non-catalytic subunit gamma 2; minus strand). Cytogenetic location: 7q36.1.
Variant type: single nucleotide variant.
Coding change: c.42T>A on transcript NM_016203.4 (MANE Select); coding-DNA position 42, T replaced by A.
Protein change: p.Val14=; no amino-acid change (valine 14 retained).
Molecular consequence: synonymous variant.
Genome position (GRCh38, 1-based): chr7:151,876,579, A>T on the plus strand (T>A on the coding strand, the complement: PRKAG2 is on the minus strand). VCF-style: chr7-151876579-A-T. GRCh37 (hg19) VCF-style: chr7-151573664-A-T.
Identifiers: ClinVar variation 45719 (VCV000045719.18), dbSNP rs141316327, ClinGen allele CA014211.

ClinVar aggregate classification (germline): Conflicting classifications of pathogenicity. Review status: criteria provided, conflicting classifications (1 of 4 stars). 6 submissions from 6 submitters: Uncertain significance (1); Likely benign (5). Last evaluated 2025-10-17.

Conditions:
Cardiovascular phenotype. Identifiers: MedGen CN230736.
Cardiomyopathy (CMYO). Also called: Cardiomyopathies. Identifiers: Orphanet 167848, MedGen C0878544, MONDO:0004994, HP:0001638. Inheritance: Various modes of inheritance.
Lethal congenital glycogen storage disease of heart. Also called: GLYCOGEN STORAGE DISEASE OF HEART; PHOSPHORYLASE KINASE DEFICIENCY OF HEART. Identifiers: Orphanet 439854, MedGen C1849813, MONDO:0009867, OMIM 261740.
Hypertrophic cardiomyopathy. Also called: HYPERTROPHIC MYOCARDIOPATHY. Identifiers: Orphanet 217569, MedGen C0007194, MeSH D002312, MONDO:0005045, HP:0001639.

Allele frequency attached by ClinVar (database versions not stated): ExAC 0.00001; gnomAD 0.00001; gnomAD exomes 0.00001 and 0.00002; TOPMed 0.00002; ESP Exome Variant Server 0.00008.
gnomAD v4.1: 25 of 1,610,428 alleles (0.0016%); highest among the groups gnomAD compares: South Asian, 0.0022%; no homozygotes.

Submissions (6):

Labcorp Genetics (formerly Invitae), Labcorp
Classification: Likely benign for Lethal congenital glycogen storage disease of heart. Last evaluated: 2025-10-17. Review status: criteria provided, single submitter. Criteria: Invitae Variant Classification Sherloc (09022015). Collection method: clinical testing. Allele origin: germline.

Ambry Genetics
Classification: Likely benign for Cardiovascular phenotype. Last evaluated: 2024-05-06. Review status: criteria provided, single submitter. Criteria: Ambry Variant Classification Scheme 2023. Collection method: clinical testing. Allele origin: germline.

All of Us Research Program, National Institutes of Health
Classification: Likely benign for Hypertrophic cardiomyopathy. Last evaluated: 2023-08-15. Review status: criteria provided, single submitter. Criteria: ACMG Guidelines, 2015. Collection method: clinical testing. Allele origin: germline. Inheritance: Autosomal dominant inheritance. Observed: 4 variant alleles, 4 heterozygotes.
Comment: This study involves interpretation of variants in research participants for the purpose of population health screening. Participant phenotype was not available at the time of variant classification. Additional details can be found in publication PMID: 35346344, PMCID: PMC8962531

GeneDx
Classification: Uncertain significance. Last evaluated: 2021-05-20. Review status: criteria provided, single submitter. Criteria: GeneDx Variant Classification Process June 2021. Collection method: clinical testing. Allele origin: germline. Affected: yes.
Comment: Has not been previously published as pathogenic or benign to our knowledge; Not observed at a significant frequency in large population cohorts (Lek et al., 2016); In silico analysis supports that this variant does not alter splicing; Reported in ClinVar as a likely benign variant (ClinVar Variant ID# 45719; Landrum et al., 2016)

Color Diagnostics, LLC DBA Color Health
Classification: Likely benign for Cardiomyopathy. Last evaluated: 2018-09-29. Review status: criteria provided, single submitter. Criteria: ACMG Guidelines, 2015. Collection method: clinical testing. Allele origin: germline.

Laboratory for Molecular Medicine, Mass General Brigham Personalized Medicine
Classification: Likely benign. Last evaluated: 2011-04-12. Review status: criteria provided, single submitter. Criteria: LMM Criteria. Collection method: clinical testing. Allele origin: germline. Observed: 1 variant allele.